The following is an entry in ClinVar:

ClinVar aggregate classification (germline): Uncertain significance (1 of 4 stars; one submission).

Submission:

GeneDx
Classification: Uncertain significance. Last evaluated: 2024-11-07. Review status: criteria provided, single submitter. Criteria: GeneDx Variant Classification Process June 2021. Collection method: clinical testing. Allele origin: germline. Affected: yes.
Comment: Not observed at significant frequency in large population cohorts (gnomAD); In silico analysis supports that this missense variant has a deleterious effect on protein structure/function; Has not been previously published as pathogenic or benign to our knowledge

NM_021614.4(KCNN2):c.1652A>C (p.Gln551Pro)

Genes: KCNN2 (potassium calcium-activated channel subfamily N member 2; plus strand), LOC101927078 (uncharacterized LOC101927078; minus strand). Cytogenetic location: 5q22.3.
Variant type: single nucleotide variant.
Coding change: c.1652A>C on transcript NM_021614.4 (MANE Select); coding-DNA position 1652, A replaced by C.
Protein change: p.Gln551Pro; replaces glutamine 551 with proline.
Molecular consequence: missense variant. On other transcripts: 5 prime UTR variant (1), non-coding transcript variant (2).
Genome position (GRCh38, 1-based): chr5:114,463,063, A>C. VCF-style: chr5-114463063-A-C. GRCh37 (hg19) VCF-style: chr5-113798760-A-C.
Other names: c.1850A>C, p.Gln617Pro (NM_001372233.1); c.-29A>C (NM_170775.3); short protein forms Q551P, Q617P.
Identifiers: ClinVar variation 3899202 (VCV003899202.1).